The following is an entry in ClinVar:

ClinVar aggregate classification (germline): Conflicting classifications of pathogenicity. Review status: criteria provided, conflicting classifications (1 of 4 stars). 2 submissions from 2 submitters: Uncertain significance (1); Benign (1). Last evaluated 2025-09-11.

Conditions:
Inborn genetic diseases. Identifiers: MedGen C0950123, MeSH D030342.
Polydactyly of a triphalangeal thumb. Also called: POLYDACTYLY OF TRIPHALANGEAL THUMB; TRIPHALANGEAL THUMB-POLYDACTYLY SYNDROME; Polydactyly, preaxial type II. Identifiers: Orphanet 2439, Orphanet 2950, Orphanet 93336, MedGen C1868114, MONDO:0008270, OMIM 174500.

Allele frequency attached by ClinVar (database versions not stated): TOPMed 0.00007; gnomAD 0.00009 and 0.00010; gnomAD exomes 0.00009 and 0.00015; ExAC 0.00014; 1000 Genomes Project 0.00040; 1000 Genomes Project 30x 0.00062.
gnomAD v4.1: 145 of 1,608,386 alleles (0.009%); highest among the groups gnomAD compares: South Asian, 0.057%; 1 homozygote.

Submissions (2):

Ambry Genetics
Classification: Uncertain significance for Inborn genetic diseases. Last evaluated: 2025-09-11. Review status: criteria provided, single submitter. Criteria: Ambry Variant Classification Scheme 2023. Collection method: clinical testing. Allele origin: germline.

Illumina Laboratory Services, Illumina
Classification: Benign for Polydactyly of a triphalangeal thumb. Last evaluated: 2018-01-13. Review status: criteria provided, single submitter. Criteria: ICSL Variant Classification Criteria 13 December 2019. Collection method: clinical testing. Allele origin: germline.
Comment: This variant was observed in the ICSL laboratory as part of a predisposition screen in an ostensibly healthy population. It had not been previously curated by ICSL or reported in the Human Gene Mutation Database (HGMD: prior to June 1st, 2018), and was therefore a candidate for classification through an automated scoring system. Utilizing variant allele frequency, disease prevalence and penetrance estimates, and inheritance mode, an automated score was calculated to assess if this variant is too frequent to cause the disease. Based on the score and internal cut-off values, a variant classified as benign is not then subjected to further curation. The score for this variant resulted in a classification of benign for this disease.

NM_022458.4(LMBR1):c.770C>T (p.Ser257Leu)

Gene: LMBR1 (limb development membrane protein 1; minus strand). Cytogenetic location: 7q36.3.
Variant type: single nucleotide variant.
Coding change: c.770C>T on transcript NM_022458.4 (MANE Select); coding-DNA position 770, C replaced by T.
Protein change: p.Ser257Leu; replaces serine 257 with leucine.
Molecular consequence: missense variant. On other transcripts: non-coding transcript variant (2).
Genome position (GRCh38, 1-based): chr7:156,734,245, G>A on the plus strand (C>T on the coding strand, the complement: LMBR1 is on the minus strand). VCF-style: chr7-156734245-G-A. GRCh37 (hg19) VCF-style: chr7-156526939-G-A.
Other names: c.893C>T, p.Ser298Leu (NM_001350953.2, NM_001363409.2); c.491C>T, p.Ser164Leu (NM_001350954.2); c.314C>T, p.Ser105Leu (NM_001350955.2, NM_001350956.2, NM_001350958.2 and 1 more transcripts); c.401C>T, p.Ser134Leu (NM_001350957.2, NM_001363411.2); c.770C>T, p.Ser257Leu (NM_001363410.2); c.707C>T, p.Ser236Leu (NM_001363412.2); short protein forms S257L, S164L, S105L, S236L, S134L, S298L.
Identifiers: ClinVar variation 359426 (VCV000359426.6), dbSNP rs182641358, ClinGen allele CA4587968.